The following is an entry in ClinVar:

ClinVar aggregate classification (germline): Pathogenic. Review status: reviewed by expert panel (3 of 4 stars). 3 submissions from 3 submitters: Pathogenic (1). 2 of the submissions do not count toward it. Last evaluated 2017-12-15.

Conditions:
Hereditary cancer-predisposing syndrome. Also called: Neoplastic Syndromes, Hereditary; Tumor predisposition; Hereditary neoplastic syndrome; Hereditary Cancer Syndrome. Identifiers: Orphanet 140162, MedGen C0027672, MeSH D009386, MONDO:0015356.
Familial cancer of breast. Also called: BREAST CANCER, FAMILIAL; Hereditary breast cancer; hereditary breast carcinoma. Identifiers: Orphanet 227535, MedGen C0346153, MONDO:0016419, OMIM 114480. Disease mechanism: loss of function.
Breast-ovarian cancer, familial, susceptibility to, 2 (BROVCA2). Also called: BRCA2 Hereditary Breast and Ovarian Cancer. Identifiers: Orphanet 145, MedGen C2675520, MONDO:0012933, OMIM 612555. Disease mechanism: loss of function.

Submissions (3):

Evidence-based Network for the Interpretation of Germline Mutant Alleles (ENIGMA)
Classification: Pathogenic for Breast-ovarian cancer, familial, susceptibility to, 2. Last evaluated: 2017-12-15. Review status: reviewed by expert panel. Criteria: ENIGMA BRCA1/2 Classification Criteria (2017-06-29). Collection method: curation. Allele origin: germline. Study: ENIGMA.
Comment: Variant allele predicted to encode a truncated non-functional protein.

Ambry Genetics
Classification: Pathogenic for Hereditary cancer-predisposing syndrome. Last evaluated: 2024-12-13. Review status: criteria provided, single submitter. Criteria: Ambry Variant Classification Scheme 2023. Collection method: clinical testing. Allele origin: germline. Not counted in ClinVar's aggregate classification.
Comment: The c.6996delT pathogenic mutation, located in coding exon 12 of the BRCA2 gene, results from a deletion of one nucleotide at nucleotide position 6996, causing a translational frameshift with a predicted alternate stop codon (p.C2332Wfs*35). This variant is considered to be rare based on population cohorts in the Genome Aggregation Database (gnomAD). This alteration is expected to result in loss of function by premature protein truncation or nonsense-mediated mRNA decay. As such, this alteration is interpreted as a disease-causing mutation.

ClinVar Staff, National Center for Biotechnology Information (NCBI)
No classification provided. Condition: Familial cancer of breast. Review status: no classification provided. Collection method: literature only. Allele origin: germline. Affected: yes. Not counted in ClinVar's aggregate classification.

Literature cited by the submitters: PubMed 21324516 (cited by ClinVar Staff, National Center for Biotechnology Information (NCBI)).

NM_000059.4(BRCA2):c.6996del (p.Cys2332fs)

Gene: BRCA2 (BRCA2 DNA repair associated; plus strand). Cytogenetic location: 13q13.1.
Variant type: Deletion.
Coding change: c.6996del on transcript NM_000059.4 (MANE Select); coding-DNA position 6996, one base deleted (T; older notation c.6996delT).
Protein change: p.Cys2332fs; shifts the reading frame from cysteine 2332.
Molecular consequence: frameshift variant.
Genome position (GRCh38, 1-based): chr13:32,346,885, T deleted. VCF-style (leftmost placement, unchanged base first): chr13-32346884-GT-G. GRCh37 (hg19) VCF-style: chr13-32921021-GT-G.
Other names: c.6996delT (NM_000059.3); short protein forms C2332fs.
Identifiers: ClinVar variation 52234 (VCV000052234.4), dbSNP rs397507889, ClinGen allele CA024680.